The following is an entry in ClinVar:

NM_001613.4(ACTA2):c.1072T>C (p.Trp358Arg)

Genes: ACTA2-AS1 (ACTA2 antisense RNA 1; plus strand), ACTA2 (actin alpha 2, smooth muscle; minus strand). Cytogenetic location: 10q23.31.
Variant type: single nucleotide variant.
Coding change: c.1072T>C on transcript NM_001613.4 (MANE Select); coding-DNA position 1072, T replaced by C.
Protein change: p.Trp358Arg; replaces tryptophan 358 with arginine.
Molecular consequence: missense variant. On other transcripts: non-coding transcript variant (1).
Genome position (GRCh38, 1-based): chr10:88,935,285, A>G on the plus strand (T>C on the coding strand, the complement: ACTA2 is on the minus strand). VCF-style: chr10-88935285-A-G. GRCh37 (hg19) VCF-style: chr10-90695042-A-G.
Other names: c.1072T>C, p.Trp358Arg (NM_001141945.3, NM_001320855.2, NM_001406462.1 and 2 more transcripts); c.961T>C, p.Trp321Arg (NM_001406466.1); c.943T>C, p.Trp315Arg (NM_001406467.1, NM_001406468.1, NM_001406469.1); c.880T>C, p.Trp294Arg (NM_001406471.1); short protein forms W294R, W358R, W315R, W321R.
Identifiers: ClinVar variation 2129526 (VCV002129526.4), dbSNP rs2494501846, ClinGen allele CA377510458.

ClinVar aggregate classification (germline): Uncertain significance (1 of 4 stars; one submission).

Conditions:
Aortic aneurysm, familial thoracic 6 (AAT6). Also called: FAMILIAL THORACIC AORTIC ANEURYSM WITH LIVEDO RETICULARIS AND IRIS FLOCCULI. Identifiers: MedGen C2673186, MONDO:0012730, OMIM 611788.

Submission:

Labcorp Genetics (formerly Invitae), Labcorp
Classification: Uncertain significance for Aortic aneurysm, familial thoracic 6. Last evaluated: 2022-04-26. Review status: criteria provided, single submitter. Criteria: Invitae Variant Classification Sherloc (09022015). Collection method: clinical testing. Allele origin: germline.
Comment: In summary, the available evidence is currently insufficient to determine the role of this variant in disease. Therefore, it has been classified as a Variant of Uncertain Significance. Advanced modeling of protein sequence and biophysical properties (such as structural, functional, and spatial information, amino acid conservation, physicochemical variation, residue mobility, and thermodynamic stability) performed at Invitae indicates that this missense variant is expected to disrupt ACTA2 protein function. This variant has not been reported in the literature in individuals affected with ACTA2-related conditions. This variant is not present in population databases (gnomAD no frequency). This sequence change replaces tryptophan, which is neutral and slightly polar, with arginine, which is basic and polar, at codon 358 of the ACTA2 protein (p.Trp358Arg).